The following is an entry in ClinVar:

ClinVar aggregate classification (germline): Pathogenic (1 of 4 stars; one submission).

Conditions:
Intellectual developmental disorder, autosomal dominant 1. Also called: Intellectual disability, autosomal dominant 1; MBD5 Haploinsufficiency. Identifiers: Orphanet 228402, MedGen C1969562, MONDO:0007974, OMIM 156200.

Submission:

Labcorp Genetics (formerly Invitae), Labcorp
Classification: Pathogenic for Mental retardation, autosomal dominant 1. Last evaluated: 2019-12-04. Review status: criteria provided, single submitter. Criteria: Invitae Variant Classification Sherloc (09022015). Collection method: clinical testing. Allele origin: germline.
Comment: A gross deletion of the genomic region encompassing the full coding sequence of the MBD5 gene has been identified. The boundaries of this event are unknown as the deletion extends beyond the assayed region for this gene and therefore may encompass additional genes. Isolated whole-gene deletions of MBD5 have not been reported in the literature. However, larger copy number events that include this gene have been reported (PMID: 19809484, 19904302, 24885232). Loss-of-function variants in MBD5 are known to be pathogenic (PMID: 23422940, 23587880). For these reasons, this variant has been classified as Pathogenic.

Literature cited by the submitters: PubMed 24885232; PubMed 19809484; PubMed 19904302.

NC_000002.12:g.(?_148458759)_(148512941_?)del

Gene: MBD5 (methyl-CpG binding domain protein 5; plus strand). Cytogenetic location: 2q23.1.
Variant type: Deletion.
Identifiers: ClinVar variation 830448 (VCV000830448.1).